The following is an entry in ClinVar:

NM_003265.3(TLR3):c.368C>T (p.Thr123Met)

Gene: TLR3 (toll like receptor 3; plus strand). Cytogenetic location: 4q35.1.
Variant type: single nucleotide variant.
Coding change: c.368C>T on transcript NM_003265.3 (MANE Select); coding-DNA position 368, C replaced by T.
Protein change: p.Thr123Met; replaces threonine 123 with methionine.
Molecular consequence: missense variant.
Genome position (GRCh38, 1-based): chr4:186,076,987, C>T. VCF-style: chr4-186076987-C-T. GRCh37 (hg19) VCF-style: chr4-186998141-C-T.
Other names: short protein forms T123M.
Identifiers: ClinVar variation 1038930 (VCV001038930.9), dbSNP rs202236935, ClinGen allele CA3161201.

ClinVar aggregate classification (germline): Uncertain significance (1 of 4 stars; one submission).

Conditions:
Encephalopathy, acute, infection-induced (herpes-specific), susceptibility to, 1. Also called: Herpes simplex encephalitis, susceptibility to, 1. Identifiers: Orphanet 1930, MedGen C2750180, MONDO:0024563, OMIM 610551.

Allele frequency attached by ClinVar (database versions not stated): ExAC 0.00006; gnomAD 0.00001 and 0.00002; TOPMed 0.00002; gnomAD exomes 0.00005 and 0.00004; 1000 Genomes Project 30x 0.00016; 1000 Genomes Project 0.00020.
gnomAD v4.1: 67 of 1,614,040 alleles (0.0042%); highest among the groups gnomAD compares: East Asian, 0.031%; 1 homozygote.

Submission:

Labcorp Genetics (formerly Invitae), Labcorp
Classification: Uncertain significance for Encephalopathy, acute, infection-induced (herpes-specific), susceptibility to, 1. Last evaluated: 2025-03-09. Review status: criteria provided, single submitter. Criteria: Invitae Variant Classification Sherloc (09022015). Collection method: clinical testing. Allele origin: germline.
Comment: This sequence change replaces threonine, which is neutral and polar, with methionine, which is neutral and non-polar, at codon 123 of the TLR3 protein (p.Thr123Met). This variant is present in population databases (rs202236935, gnomAD 0.03%). This variant has not been reported in the literature in individuals affected with TLR3-related conditions. ClinVar contains an entry for this variant (Variation ID: 1038930). An algorithm developed to predict the effect of missense changes on protein structure and function outputs the following: PolyPhen-2: "Benign". The methionine amino acid residue is found in multiple mammalian species, which suggests that this missense change does not adversely affect protein function. In summary, the available evidence is currently insufficient to determine the role of this variant in disease. Therefore, it has been classified as a Variant of Uncertain Significance.